The following is an entry in ClinVar:

NM_002291.3(LAMB1):c.616_618delinsCTTTAGATCCTGC (p.Ile206delinsLeuTer)

Gene: LAMB1 (laminin subunit beta 1; minus strand). Cytogenetic location: 7q31.1.
Variant type: Indel.
Coding change: c.616_618delinsCTTTAGATCCTGC on transcript NM_002291.3 (MANE Select); coding-DNA positions 616 to 618, ATA replaced by CTTTAGATCCTGC.
Protein change: p.Ile206delinsLeuTer.
Molecular consequence: nonsense.
Genome position (GRCh38, 1-based): chr7:107,986,080-107,986,082, TAT replaced by GCAGGATCTAAAG on the plus strand (ATA replaced by CTTTAGATCCTGC on the coding strand, the reverse complement: LAMB1 is on the minus strand). VCF-style: chr7-107986080-TAT-GCAGGATCTAAAG. GRCh37 (hg19) VCF-style: chr7-107626525-TAT-GCAGGATCTAAAG.
Identifiers: ClinVar variation 3344605 (VCV003344605.1).

ClinVar aggregate classification (germline): Uncertain significance (0 of 4 stars; one submission).

Conditions:
LAMB1-related disorder. Also called: LAMB1-related condition.

Submission:

PreventionGenetics, part of Exact Sciences
Classification: Uncertain significance for LAMB1-related condition. Last evaluated: 2024-06-10. Review status: no assertion criteria provided. Collection method: clinical testing. Allele origin: germline.
Comment: The LAMB1 c.616_618delinsCTTTAGATCCTGC variant is predicted to result in a frameshift and premature protein termination (p.Ile206Leufs*2). To our knowledge, this variant has not been reported in the literature or in a large population database, indicating this variant is rare. Although we suspect that this variant may be pathogenic, at this time, the clinical significance of this variant is uncertain due to the absence of conclusive functional and genetic evidence.